The following is an entry in ClinVar:

ClinVar aggregate classification (germline): Uncertain significance (1 of 4 stars; one submission).

Submission:

Labcorp Genetics (formerly Invitae), Labcorp
Classification: Uncertain significance. Last evaluated: 2025-09-10. Review status: criteria provided, single submitter. Criteria: Invitae Variant Classification Sherloc (09022015). Collection method: clinical testing. Allele origin: germline.
Comment: This sequence change replaces valine, which is neutral and non-polar, with leucine, which is neutral and non-polar, at codon 1654 of the TRRAP protein (p.Val1654Leu). This variant is not present in population databases (gnomAD no frequency). This variant has not been reported in the literature in individuals affected with TRRAP-related conditions. Invitae Evidence Modeling of protein sequence and biophysical properties (such as structural, functional, and spatial information, amino acid conservation, physicochemical variation, residue mobility, and thermodynamic stability) indicates that this missense variant is not expected to disrupt TRRAP protein function with a negative predictive value of 80%. In summary, the available evidence is currently insufficient to determine the role of this variant in disease. Therefore, it has been classified as a Variant of Uncertain Significance.

NM_001375524.1(TRRAP):c.5035G>T (p.Val1679Leu)

Genes: TRRAP (transformation/transcription domain associated protein; plus strand), LOC126860121 (MED14-independent group 3 enhancer GRCh37_chr7:98547245-98548444; plus strand). Cytogenetic location: 7q22.1.
Variant type: single nucleotide variant.
Coding change: c.5035G>T on transcript NM_001375524.1 (MANE Select); coding-DNA position 5035, G replaced by T.
Protein change: p.Val1679Leu; replaces valine 1679 with leucine.
Molecular consequence: missense variant.
Genome position (GRCh38, 1-based): chr7:98,949,741, G>T. VCF-style: chr7-98949741-G-T. GRCh37 (hg19) VCF-style: chr7-98547364-G-T.
Other names: c.5014G>T, p.Val1672Leu (NM_001244580.2); c.4960G>T, p.Val1654Leu (NM_003496.4); short protein forms V1672L, V1654L, V1679L.
Identifiers: ClinVar variation 4745628 (VCV004745628.1).